The following is an entry in ClinVar:

ClinVar aggregate classification (germline): Uncertain significance (1 of 4 stars; one submission).

Allele frequency attached by ClinVar (database versions not stated): TOPMed below 0.00001.
gnomAD v4.1: 4 of 1,595,732 alleles (0.00025%); highest among the groups gnomAD compares: Non-Finnish European, 0.00034%; no homozygotes.

Submission:

Labcorp Genetics (formerly Invitae), Labcorp
Classification: Uncertain significance. Last evaluated: 2024-06-17. Review status: criteria provided, single submitter. Criteria: Invitae Variant Classification Sherloc (09022015). Collection method: clinical testing. Allele origin: germline.
Comment: This sequence change replaces proline, which is neutral and non-polar, with serine, which is neutral and polar, at codon 56 of the GTPBP3 protein (p.Pro56Ser). This variant is not present in population databases (gnomAD no frequency). This variant has not been reported in the literature in individuals affected with GTPBP3-related conditions. ClinVar contains an entry for this variant (Variation ID: 1367340). Advanced modeling of protein sequence and biophysical properties (such as structural, functional, and spatial information, amino acid conservation, physicochemical variation, residue mobility, and thermodynamic stability) performed at Invitae indicates that this missense variant is not expected to disrupt GTPBP3 protein function with a negative predictive value of 80%. In summary, the available evidence is currently insufficient to determine the role of this variant in disease. Therefore, it has been classified as a Variant of Uncertain Significance.

NM_032620.4(GTPBP3):c.166C>T (p.Pro56Ser)

Gene: GTPBP3 (GTP binding protein 3, mitochondrial; plus strand). Cytogenetic location: 19p13.11.
Variant type: single nucleotide variant.
Coding change: c.166C>T on transcript NM_032620.4 (MANE Select); coding-DNA position 166, C replaced by T.
Protein change: p.Pro56Ser; replaces proline 56 with serine.
Molecular consequence: missense variant.
Genome position (GRCh38, 1-based): chr19:17,338,120, C>T. VCF-style: chr19-17338120-C-T. GRCh37 (hg19) VCF-style: chr19-17448929-C-T.
Other names: c.166C>T, p.Pro56Ser (NM_001128855.3, NM_133644.4); c.232C>T, p.Pro78Ser (NM_001195422.1); short protein forms P56S, P78S.
Identifiers: ClinVar variation 1367340 (VCV001367340.7), dbSNP rs1398098212, ClinGen allele CA404731780.
Genomic context (GRCh38, chr19:17,338,120, plus strand): 5'-ATCTTCGCGCTAAGCTCTGGCCAAGGCCGCTGCGGCATCGCAGTGATCCGGACCAGCGGC[C>T]CCGCCAGCGGCCACGCCCTCCGAATTCTCACAGCACCCCGAGACCTGCCCCTTGCTCGCC-3'
Protein context (NP_116009.2, residues 46-66): CGIAVIRTSG[Pro56Ser]ASGHALRILT